The following is an entry in ClinVar:

ClinVar aggregate classification (germline): Uncertain significance. Review status: criteria provided, multiple submitters, no conflicts (2 of 4 stars). 2 submissions from 2 submitters: Uncertain significance (2). Last evaluated 2024-04-08.

Allele frequency attached by ClinVar (database versions not stated): gnomAD 0.00001; TOPMed 0.00002; ExAC 0.00005; gnomAD exomes 0.00005; 1000 Genomes Project 30x 0.00016; 1000 Genomes Project 0.00020.

Submissions (2):

Blueprint Genetics
Classification: Uncertain significance. Last evaluated: 2024-04-08. Review status: criteria provided, single submitter. Criteria: ACMG Guidelines, 2015. Collection method: clinical testing. Allele origin: germline.

Labcorp Genetics (formerly Invitae), Labcorp
Classification: Uncertain significance. Last evaluated: 2020-03-25. Review status: criteria provided, single submitter. Criteria: Invitae Variant Classification Sherloc (09022015). Collection method: clinical testing. Allele origin: germline.
Comment: In summary, the available evidence is currently insufficient to determine the role of this variant in disease. Therefore, it has been classified as a Variant of Uncertain Significance. Algorithms developed to predict the effect of sequence changes on RNA splicing suggest that this variant may create or strengthen a splice site, but this prediction has not been confirmed by published transcriptional studies. Algorithms developed to predict the effect of missense changes on protein structure and function are either unavailable or do not agree on the potential impact of this missense change (SIFT: "Deleterious"; PolyPhen-2: "Probably Damaging"; Align-GVGD: "Class C0"). This variant has not been reported in the literature in individuals with CAPN5-related conditions. This variant is present in population databases (rs559189456, ExAC 0.04%). This sequence change replaces arginine with cysteine at codon 127 of the CAPN5 protein (p.Arg127Cys). The arginine residue is moderately conserved and there is a large physicochemical difference between arginine and cysteine.

NM_004055.5(CAPN5):c.379C>T (p.Arg127Cys)

Gene: CAPN5 (calpain 5; plus strand). Cytogenetic location: 11q13.5.
Variant type: single nucleotide variant.
Coding change: c.379C>T on transcript NM_004055.5 (MANE Select); coding-DNA position 379, C replaced by T.
Protein change: p.Arg127Cys; replaces arginine 127 with cysteine.
Molecular consequence: missense variant.
Genome position (GRCh38, 1-based): chr11:77,112,670, C>T. VCF-style: chr11-77112670-C-T. GRCh37 (hg19) VCF-style: chr11-76823716-C-T.
Other names: short protein forms R127C.
Identifiers: ClinVar variation 1023791 (VCV001023791.10), dbSNP rs559189456, ClinGen allele CA6196422.
Genomic context (GRCh38, chr11:77,112,670, plus strand): 5'-CAGGAATGGGACCCCGAAAAGCCCAACGCCTACGCGGGCATCTTCCACTTCCACTTCTGG[C>T]GCTTCGGGGAATGGGTGGACGTGGTCATCGATGACCGGCTGCCCACAGTCAACAACCAGC-3'
Protein context (NP_004046.2, residues 117-137): YAGIFHFHFW[Arg127Cys]FGEWVDVVID